The following is an entry in ClinVar:

NM_005751.5(AKAP9):c.5006C>T (p.Ala1669Val)

Genes: AKAP9 (A-kinase anchoring protein 9; plus strand), LOC121175350 (Sharpr-MPRA regulatory region 2641; plus strand). Cytogenetic location: 7q21.2.
Variant type: single nucleotide variant.
Coding change: c.5006C>T on transcript NM_005751.5 (MANE Select); coding-DNA position 5006, C replaced by T.
Protein change: p.Ala1669Val; replaces alanine 1669 with valine.
Molecular consequence: missense variant.
Genome position (GRCh38, 1-based): chr7:92,042,134, C>T. VCF-style: chr7-92042134-C-T. GRCh37 (hg19) VCF-style: chr7-91671448-C-T.
Other names: c.5006C>T, p.Ala1669Val (NM_147185.3); short protein forms A1669V.
Identifiers: ClinVar variation 3516004 (VCV003516004.3).

ClinVar aggregate classification (germline): Conflicting classifications of pathogenicity. Review status: criteria provided, conflicting classifications (1 of 4 stars). 2 submissions from 2 submitters: Uncertain significance (1); Likely benign (1). Last evaluated 2024-06-27.

Conditions:
Cardiovascular phenotype. Identifiers: MedGen CN230736.
Long QT syndrome (LQTS). Identifiers: MedGen C0023976, MeSH D008133, MONDO:0002442. Disease mechanism: loss of function. Inheritance: Various modes of inheritance.

Submissions (2):

Ambry Genetics
Classification: Likely benign for Cardiovascular phenotype. Last evaluated: 2024-06-27. Review status: criteria provided, single submitter. Criteria: Ambry Variant Classification Scheme 2023. Collection method: clinical testing. Allele origin: germline.

Labcorp Genetics (formerly Invitae), Labcorp
Classification: Uncertain significance for Long QT syndrome. Last evaluated: 2024-06-22. Review status: criteria provided, single submitter. Criteria: Invitae Variant Classification Sherloc (09022015). Collection method: clinical testing. Allele origin: germline.
Comment: This sequence change replaces alanine, which is neutral and non-polar, with valine, which is neutral and non-polar, at codon 1669 of the AKAP9 protein (p.Ala1669Val). This variant is not present in population databases (gnomAD no frequency). This variant has not been reported in the literature in individuals affected with AKAP9-related conditions. An algorithm developed to predict the effect of missense changes on protein structure and function (PolyPhen-2) suggests that this variant is likely to be disruptive. In summary, the available evidence is currently insufficient to determine the role of this variant in disease. Therefore, it has been classified as a Variant of Uncertain Significance.